The following is an entry in ClinVar:

ClinVar aggregate classification (germline): Uncertain significance (1 of 4 stars; one submission).

Conditions:
Actin accumulation myopathy (CMYO2A). Also called: Myopathy, actin, congenital, with cores; Nemaline myopathy 3, with intranuclear rods; CONGENITAL MYOPATHY 2A, TYPICAL, AUTOSOMAL DOMINANT; Nemaline myopathy type 3; Myopathy, actin, congenital, with excess of thin myofilaments. Identifiers: Orphanet 98904, MedGen C3711389, MONDO:0008070, OMIM 161800.

Submission:

Labcorp Genetics (formerly Invitae), Labcorp
Classification: Uncertain significance for Actin accumulation myopathy. Last evaluated: 2020-06-18. Review status: criteria provided, single submitter. Criteria: Invitae Variant Classification Sherloc (09022015). Collection method: clinical testing. Allele origin: germline.
Comment: This sequence change replaces glutamine with lysine at codon 248 of the ACTA1 protein (p.Gln248Lys). The glutamine residue is highly conserved and there is a small physicochemical difference between glutamine and lysine. In summary, the available evidence is currently insufficient to determine the role of this variant in disease. Therefore, it has been classified as a Variant of Uncertain Significance. This variant disrupts the p.Gln248 amino acid residue in ACTA1. Other variant(s) that disrupt this residue have been observed in individuals with ACTA1-related conditions (PMID: 12921789), which suggests that this may be a clinically significant amino acid residue. Algorithms developed to predict the effect of missense changes on protein structure and function are either unavailable or do not agree on the potential impact of this missense change (SIFT: "Tolerated"; PolyPhen-2: "Possibly Damaging"; Align-GVGD: "Class C0"). This variant has been observed in individual(s) with autosomal dominant nemaline myopathy (PMID: 12921789). This variant is also known as p.Gln246Lys in the literature. This variant is not present in population databases (ExAC no frequency).

Literature cited by the submitters: PubMed 12921789.

NM_001100.4(ACTA1):c.742C>A (p.Gln248Lys)

Gene: ACTA1 (actin alpha 1, skeletal muscle; minus strand). Cytogenetic location: 1q42.13.
Variant type: single nucleotide variant.
Coding change: c.742C>A on transcript NM_001100.4 (MANE Select); coding-DNA position 742, C replaced by A.
Protein change: p.Gln248Lys; replaces glutamine 248 with lysine.
Molecular consequence: missense variant.
Genome position (GRCh38, 1-based): chr1:229,432,060, G>T on the plus strand (C>A on the coding strand, the complement: ACTA1 is on the minus strand). VCF-style: chr1-229432060-G-T. GRCh37 (hg19) VCF-style: chr1-229567807-G-T.
Other names: short protein forms Q248K.
Identifiers: ClinVar variation 1015544 (VCV001015544.9), dbSNP rs1659954634, ClinGen allele CA345146737.